The following is an entry in ClinVar:

NM_001378477.3(NYX):c.1088T>A (p.Val363Glu)

Gene: NYX (nyctalopin; plus strand). Cytogenetic location: Xp11.4.
Variant type: single nucleotide variant.
Coding change: c.1088T>A on transcript NM_001378477.3 (MANE Select); coding-DNA position 1088, T replaced by A.
Protein change: p.Val363Glu; replaces valine 363 with glutamic acid.
Molecular consequence: missense variant.
Genome position (GRCh38, 1-based): chrX:41,474,556, T>A. VCF-style: chrX-41474556-T-A. GRCh37 (hg19) VCF-style: chrX-41333809-T-A.
Other names: c.1088T>A, p.Val363Glu (NM_022567.3); short protein forms V363E.
Identifiers: ClinVar variation 2704401 (VCV002704401.3), dbSNP rs2519608692, ClinGen allele CA412992624.
Genomic context (GRCh38, chrX:41,474,556, plus strand): 5'-GGGACTGGATGGAGGGCTCCGGACGTGTCACCGACGTGCCGTGCGCCTCCCCGGGCTCCG[T>A]GGCCGGCCTGGACCTCAGCCAGGTGACCTTCGGGCGCTCCTCCGATGGCCTCTGTGTGGA-3'
Protein context (NP_001365406.2, residues 353-373): TDVPCASPGS[Val363Glu]AGLDLSQVTF

ClinVar aggregate classification (germline): Uncertain significance (1 of 4 stars; one submission).

Submission:

Labcorp Genetics (formerly Invitae), Labcorp
Classification: Uncertain significance. Last evaluated: 2023-12-20. Review status: criteria provided, single submitter. Criteria: Invitae Variant Classification Sherloc (09022015). Collection method: clinical testing. Allele origin: germline.
Comment: This sequence change replaces valine, which is neutral and non-polar, with glutamic acid, which is acidic and polar, at codon 368 of the NYX protein (p.Val368Glu). This variant is not present in population databases (gnomAD no frequency). This variant has not been reported in the literature in individuals affected with NYX-related conditions. Advanced modeling of protein sequence and biophysical properties (such as structural, functional, and spatial information, amino acid conservation, physicochemical variation, residue mobility, and thermodynamic stability) performed at Invitae indicates that this missense variant is not expected to disrupt NYX protein function with a negative predictive value of 80%. In summary, the available evidence is currently insufficient to determine the role of this variant in disease. Therefore, it has been classified as a Variant of Uncertain Significance.